The following is an entry in ClinVar:

NM_006459.4(ERLIN1):c.67G>A (p.Ala23Thr)

Gene: ERLIN1 (ER lipid raft associated 1; minus strand). Cytogenetic location: 10q24.31.
Variant type: single nucleotide variant.
Coding change: c.67G>A on transcript NM_006459.4 (MANE Select); coding-DNA position 67, G replaced by A.
Protein change: p.Ala23Thr; replaces alanine 23 with threonine.
Molecular consequence: missense variant. On other transcripts: 5 prime UTR variant (2), non-coding transcript variant (6).
Genome position (GRCh38, 1-based): chr10:100,185,560, C>T on the plus strand (G>A on the coding strand, the complement: ERLIN1 is on the minus strand). VCF-style: chr10-100185560-C-T. GRCh37 (hg19) VCF-style: chr10-101945317-C-T.
Other names: c.67G>A, p.Ala23Thr (NM_001100626.2, NM_001347857.2, NM_001347859.2 and 2 more transcripts); c.-104G>A (NM_001347856.2); c.-305G>A (NM_001347858.2); short protein forms A23T.
Identifiers: ClinVar variation 854101 (VCV000854101.6), dbSNP rs140620682, ClinGen allele CA5646188.

ClinVar aggregate classification (germline): Uncertain significance. Review status: criteria provided, multiple submitters, no conflicts (2 of 4 stars). 2 submissions from 2 submitters: Uncertain significance (2). Last evaluated 2024-12-05.

Conditions:
Hereditary spastic paraplegia 62. Also called: Spastic paraplegia 62, autosomal recessive. Identifiers: Orphanet 401785, MedGen C4284588, MONDO:0014302, OMIM 615681.

Allele frequency attached by ClinVar (database versions not stated): gnomAD exomes 0.00002 and 0.00006; ExAC 0.00007; ESP Exome Variant Server 0.00015; 1000 Genomes Project 30x 0.00016; 1000 Genomes Project 0.00020; TOPMed 0.00033; gnomAD 0.00034 and 0.00036.
gnomAD v4.1: 91 of 1,614,000 alleles (0.0056%); highest among the groups gnomAD compares: African/African-American, 0.091%; no homozygotes.

Submissions (2):

Ambry Genetics
Classification: Uncertain significance. Last evaluated: 2024-12-05. Review status: criteria provided, single submitter. Criteria: Ambry Variant Classification Scheme 2023. Collection method: clinical testing. Allele origin: germline.

Labcorp Genetics (formerly Invitae), Labcorp
Classification: Uncertain significance for Hereditary spastic paraplegia 62. Last evaluated: 2022-08-06. Review status: criteria provided, single submitter. Criteria: Invitae Variant Classification Sherloc (09022015). Collection method: clinical testing. Allele origin: germline.
Comment: This sequence change replaces alanine, which is neutral and non-polar, with threonine, which is neutral and polar, at codon 23 of the ERLIN1 protein (p.Ala23Thr). This variant is present in population databases (rs140620682, gnomAD 0.07%). This variant has not been reported in the literature in individuals affected with ERLIN1-related conditions. ClinVar contains an entry for this variant (Variation ID: 854101). Algorithms developed to predict the effect of missense changes on protein structure and function (SIFT, PolyPhen-2, Align-GVGD) all suggest that this variant is likely to be tolerated. In summary, the available evidence is currently insufficient to determine the role of this variant in disease. Therefore, it has been classified as a Variant of Uncertain Significance.